The following is an entry in ClinVar:

NM_000071.3(CBS):c.1223+5G>A

Gene: CBS (cystathionine beta-synthase; minus strand). Cytogenetic location: 21q22.3.
Variant type: single nucleotide variant.
Coding change: c.1223+5G>A on transcript NM_000071.3 (MANE Select); 5 bases into the intron after coding-DNA position 1223, G replaced by A.
Molecular consequence: intron variant.
Genome position (GRCh38, 1-based): chr21:43,059,221, C>T on the plus strand (G>A on the coding strand, the complement: CBS is on the minus strand). VCF-style: chr21-43059221-C-T. GRCh37 (hg19) VCF-style: chr21-44479331-C-T.
Other names: c.1223+5G>A (NM_001320298.2, NM_001178009.3, NM_001178008.3); c.908+5G>A (NM_001321072.1).
Identifiers: ClinVar variation 212863 (VCV000212863.8), dbSNP rs372609349, ClinGen allele CA323101.

ClinVar aggregate classification (germline): Uncertain significance. Review status: criteria provided, multiple submitters, no conflicts (2 of 4 stars). 4 submissions from 4 submitters: Uncertain significance (3). 1 of the submissions does not count toward it. Last evaluated 2026-09-10.

Conditions:
Classic homocystinuria. Also called: Homocystinuria due to CBS deficiency; Cystathionine beta-synthase deficiency; CBS deficiency; Homocystinuria due to Cystathionine Beta-Synthase Deficiency; HOMOCYSTINURIA WITH OR WITHOUT RESPONSE TO PYRIDOXINE. Identifiers: Orphanet 394, MedGen C0751202, MONDO:0009352, OMIM 236200.
HYPERHOMOCYSTEINEMIA, THROMBOTIC, CBS-RELATED. Identifiers: MedGen C3150344, OMIM 236200.

Allele frequency attached by ClinVar (database versions not stated): ESP Exome Variant Server 0.00008; gnomAD 0.00010.

Submissions (6):

GeneDx
Classification: Uncertain significance. Last evaluated: 2026-09-10. Review status: criteria provided, single submitter. Criteria: GeneDx Variant Classification Process June 2021. Collection method: clinical testing. Allele origin: germline.
Comment: Has not been previously published as pathogenic or benign to our knowledge; In silico analysis suggests that this variant does not alter splicing

Women's Health and Genetics/Laboratory Corporation of America, LabCorp
Classification: Uncertain significance. Last evaluated: 2025-07-17. Review status: criteria provided, single submitter. Criteria: LabCorp Variant Classification Summary - May 2015. Collection method: clinical testing. Allele origin: germline.

Labcorp Genetics (formerly Invitae), Labcorp
Classification: Uncertain significance for HYPERHOMOCYSTEINEMIA, THROMBOTIC, CBS-RELATED. Last evaluated: 2022-06-03. Review status: criteria provided, single submitter. Criteria: Invitae Variant Classification Sherloc (09022015). Collection method: clinical testing. Allele origin: germline.
Comment: This sequence change falls in intron 13 of the CBS gene. It does not directly change the encoded amino acid sequence of the CBS protein. It affects a nucleotide within the consensus splice site. This variant is present in population databases (rs372609349, gnomAD 0.03%). This variant has not been reported in the literature in individuals affected with CBS-related conditions. ClinVar contains an entry for this variant (Variation ID: 212863). Variants that disrupt the consensus splice site are a relatively common cause of aberrant splicing (PMID: 17576681, 9536098). Algorithms developed to predict the effect of sequence changes on RNA splicing suggest that this variant is not likely to affect RNA splicing. In summary, the available evidence is currently insufficient to determine the role of this variant in disease. Therefore, it has been classified as a Variant of Uncertain Significance.

Natera, Inc.
Classification: Uncertain significance for Homocystinuria due to cystathionine beta-synthase deficiency. Last evaluated: 2019-10-28. Review status: no assertion criteria provided. Collection method: clinical testing. Allele origin: germline. Not counted in ClinVar's aggregate classification.

Dr. Peter K. Rogan Lab, Western University
No classification provided (evidence only). Condition: Familial cancer of breast. Review status: no classification provided. Collection method: in vitro. Allele origin: not applicable. Functional consequence: retained intron. Not counted in ClinVar's aggregate classification.

Dr. Peter K. Rogan Lab, Western University
No classification provided (evidence only). Condition: Sarcoma. Review status: no classification provided. Collection method: in vitro. Allele origin: not applicable. Functional consequence: skipped exon. Not counted in ClinVar's aggregate classification.

Literature cited by the submitters: PubMed 17576681 (cited by Labcorp Genetics (formerly Invitae), Labcorp); PubMed 9536098 (cited by Labcorp Genetics (formerly Invitae), Labcorp).